The following is an entry in ClinVar:

ClinVar aggregate classification (germline): Benign/Likely benign. Review status: criteria provided, multiple submitters, no conflicts (2 of 4 stars). 5 submissions from 5 submitters: Benign (4); Likely benign (1). Last evaluated 2024-11-25.

Conditions:
Thrombocytopenia. Identifiers: MedGen C0040034, MeSH D013921, MONDO:0002049, HP:0001873.

Allele frequency attached by ClinVar (database versions not stated): ESP Exome Variant Server 0.00146; gnomAD 0.00398 and 0.00571; TOPMed 0.00624; gnomAD exomes 0.01172; ExAC 0.01175; 1000 Genomes Project 30x 0.02436; 1000 Genomes Project 0.02616.

Submissions (5):

Blueprint Genetics
Classification: Likely benign. Last evaluated: 2024-11-25. Review status: criteria provided, single submitter. Criteria: ACMG Guidelines, 2015. Collection method: clinical testing. Allele origin: germline.

Mayo Clinic Laboratories, Mayo Clinic
Classification: Benign. Last evaluated: 2023-07-19. Review status: criteria provided, single submitter. Criteria: ACMG Guidelines, 2015. Collection method: clinical testing. Allele origin: germline. Observed: 18 variant alleles.

Illumina Laboratory Services, Illumina
Classification: Benign for Thrombocytopenia. Last evaluated: 2018-01-13. Review status: criteria provided, single submitter. Criteria: ICSL Variant Classification Criteria 13 December 2019. Collection method: clinical testing. Allele origin: germline.
Comment: This variant was observed in the ICSL laboratory as part of a predisposition screen in an ostensibly healthy population. It had not been previously curated by ICSL or reported in the Human Gene Mutation Database (HGMD: prior to June 1st, 2018), and was therefore a candidate for classification through an automated scoring system. Utilizing variant allele frequency, disease prevalence and penetrance estimates, and inheritance mode, an automated score was calculated to assess if this variant is too frequent to cause the disease. Based on the score and internal cut-off values, a variant classified as benign is not then subjected to further curation. The score for this variant resulted in a classification of benign for this disease.

Breakthrough Genomics
Classification: Benign. Review status: criteria provided, single submitter. Criteria: ACMG Guidelines, 2015. Collection method: not provided. Allele origin: germline. Inheritance: Unknown mechanism. Affected: yes.

PreventionGenetics, part of Exact Sciences
Classification: Benign. Review status: criteria provided, single submitter. Criteria: ACMG Guidelines, 2015. Collection method: clinical testing. Allele origin: germline.

NM_001172303.3(MASTL):c.1010C>A (p.Thr337Lys)

Gene: MASTL (microtubule associated serine/threonine kinase like; plus strand). Cytogenetic location: 10p12.1.
Variant type: single nucleotide variant.
Coding change: c.1010C>A on transcript NM_001172303.3 (MANE Select); coding-DNA position 1010, C replaced by A.
Protein change: p.Thr337Lys; replaces threonine 337 with lysine.
Molecular consequence: missense variant. On other transcripts: non-coding transcript variant (1).
Genome position (GRCh38, 1-based): chr10:27,169,969, C>A. VCF-style: chr10-27169969-C-A. GRCh37 (hg19) VCF-style: chr10-27458898-C-A.
Other names: c.1010C>A, p.Thr337Lys (NM_001172304.3, NM_001320756.2, NM_001320757.2 and 1 more transcripts); c.527C>A, p.Thr176Lys (NM_001372029.1, NM_001372030.1); short protein forms T337K, T176K.
Identifiers: ClinVar variation 262114 (VCV000262114.9), dbSNP rs36121140, ClinGen allele CA5450136.